The following is an entry in ClinVar:

ClinVar aggregate classification (germline): Uncertain significance. Review status: criteria provided, multiple submitters, no conflicts (2 of 4 stars). 2 submissions from 2 submitters: Uncertain significance (2). Last evaluated 2026-02-01.

Conditions:
Inborn genetic diseases. Identifiers: MedGen C0950123, MeSH D030342.

Allele frequency attached by ClinVar (database versions not stated): ExAC 0.00005; ESP Exome Variant Server 0.00008; gnomAD 0.00008 and 0.00009; gnomAD exomes 0.00008; TOPMed 0.00010.
gnomAD v4.1: 306 of 1,613,996 alleles (0.019%); highest among the groups gnomAD compares: Non-Finnish European, 0.025%; no homozygotes.

Submissions (2):

Labcorp Genetics (formerly Invitae), Labcorp
Classification: Uncertain significance. Last evaluated: 2026-02-01. Review status: criteria provided, single submitter. Criteria: Invitae Variant Classification Sherloc (09022015). Collection method: clinical testing. Allele origin: germline.
Comment: This sequence change replaces serine, which is neutral and polar, with proline, which is neutral and non-polar, at codon 181 of the CSF2RB protein (p.Ser181Pro). This variant is present in population databases (rs370781346, gnomAD 0.02%). This variant has not been reported in the literature in individuals affected with CSF2RB-related conditions. ClinVar contains an entry for this variant (Variation ID: 1007278). Invitae Evidence Modeling of protein sequence and biophysical properties (such as structural, functional, and spatial information, amino acid conservation, physicochemical variation, residue mobility, and thermodynamic stability) indicates that this missense variant is not expected to disrupt CSF2RB protein function with a negative predictive value of 80%. In summary, the available evidence is currently insufficient to determine the role of this variant in disease. Therefore, it has been classified as a Variant of Uncertain Significance.

Ambry Genetics
Classification: Uncertain significance for Inborn genetic diseases. Last evaluated: 2022-09-22. Review status: criteria provided, single submitter. Criteria: Ambry Variant Classification Scheme 2023. Collection method: clinical testing. Allele origin: germline.

NM_000395.3(CSF2RB):c.541T>C (p.Ser181Pro)

Gene: CSF2RB (colony stimulating factor 2 receptor subunit beta; plus strand). Cytogenetic location: 22q12.3.
Variant type: single nucleotide variant.
Coding change: c.541T>C on transcript NM_000395.3 (MANE Select); coding-DNA position 541, T replaced by C.
Protein change: p.Ser181Pro; replaces serine 181 with proline.
Molecular consequence: missense variant.
Genome position (GRCh38, 1-based): chr22:36,929,551, T>C. VCF-style: chr22-36929551-T-C. GRCh37 (hg19) VCF-style: chr22-37325593-T-C.
Other names: c.541T>C (NM_000395.2); short protein forms S181P.
Identifiers: ClinVar variation 1007278 (VCV001007278.7), dbSNP rs370781346, ClinGen allele CA10213495.
Genomic context (GRCh38, chr22:36,929,551, plus strand): 5'-AGCCACTGGTTGTCCCCAGGGGATCTGGAGTTTGAGGTGGTCTACAAGCGGCTTCAGGAC[T>C]CTTGGGAGGTAGGAACCACGGCCAGCTCTGCCCCAGCCCGAAGGGATGGGCAGCACCCCT-3'
Protein context (NP_000386.1, residues 171-191): FEVVYKRLQD[Ser181Pro]WEDAAILLSN